The following is an entry in ClinVar:

ClinVar aggregate classification (germline): Pathogenic (1 of 4 stars; one submission).

Conditions:
Familial cancer of breast. Also called: BREAST CANCER, FAMILIAL; hereditary breast carcinoma; Hereditary breast cancer. Identifiers: Orphanet 227535, MedGen C0346153, MONDO:0016419, OMIM 114480. Disease mechanism: loss of function.

Submission:

Labcorp Genetics (formerly Invitae), Labcorp
Classification: Pathogenic for Familial cancer of breast. Last evaluated: 2019-02-25. Review status: criteria provided, single submitter. Criteria: Invitae Variant Classification Sherloc (09022015). Collection method: clinical testing. Allele origin: germline.
Comment: For these reasons, this variant has been classified as Pathogenic. This sequence change creates a premature translational stop signal (p.Ser53Valfs*25) in the CHEK2 gene. It is expected to result in an absent or disrupted protein product. This variant is not present in population databases (ExAC no frequency). This variant has not been reported in the literature in individuals with CHEK2-related disease. ClinVar contains an entry for this variant (Variation ID: 460807). Loss-of-function variants in CHEK2 are known to be pathogenic (PMID: 21876083, 24713400).

Literature cited by the submitters: PubMed 21876083; PubMed 24713400.

NM_007194.4(CHEK2):c.152_155dup (p.Ser53fs)

Gene: CHEK2 (checkpoint kinase 2; minus strand). Cytogenetic location: 22q12.1.
Variant type: Duplication.
Coding change: c.152_155dup on transcript NM_007194.4 (MANE Select); coding-DNA positions 152 to 155, 4 bases duplicated (AGTC; older notation c.152_155dupAGTC).
Protein change: p.Ser53fs; shifts the reading frame from serine 53.
Molecular consequence: frameshift variant.
Genome position (GRCh38, 1-based): chr22:28,734,567-28,734,570, GACT duplicated on the plus strand (AGTC on the coding strand, the reverse complement: CHEK2 is on the minus strand); duplicating any 4 consecutive bases within chr22:28,734,567-28,734,571 gives the same sequence; the c. name uses the placement nearest the transcript's 3' end. VCF-style (leftmost placement, unchanged base first): chr22-28734566-G-GGACT. GRCh37 (hg19) VCF-style: chr22-29130554-G-GGACT.
Other names: c.152_155dupAGTC (NM_007194.3); c.151_154dup, p.Ser53Valfs (NM_001005735.3, NM_001349956.3, NM_145862.3); c.-627_-624dup (NM_001257387.3); short protein forms S53fs.
Identifiers: ClinVar variation 460807 (VCV000460807.9), dbSNP rs1555932481, ClinGen allele CA658656852.